The following is an entry in ClinVar:

ClinVar aggregate classification (germline): Uncertain significance (1 of 4 stars; one submission).

Allele frequency attached by ClinVar (database versions not stated): gnomAD exomes below 0.00001.
gnomAD v4.1: 2 of 1,613,926 alleles (0.00012%); highest among the groups gnomAD compares: Admixed American, 0.0017%; no homozygotes.

Submission:

Labcorp Genetics (formerly Invitae), Labcorp
Classification: Uncertain significance. Last evaluated: 2022-05-06. Review status: criteria provided, single submitter. Criteria: Invitae Variant Classification Sherloc (09022015). Collection method: clinical testing. Allele origin: germline.
Comment: In summary, the available evidence is currently insufficient to determine the role of this variant in disease. Therefore, it has been classified as a Variant of Uncertain Significance. Algorithms developed to predict the effect of missense changes on protein structure and function (SIFT, PolyPhen-2, Align-GVGD) all suggest that this variant is likely to be tolerated. This variant has not been reported in the literature in individuals affected with TNFRSF11B-related conditions. This variant is present in population databases (no rsID available, gnomAD 0.003%). This sequence change replaces glutamic acid, which is acidic and polar, with lysine, which is basic and polar, at codon 22 of the TNFRSF11B protein (p.Glu22Lys).

NM_002546.4(TNFRSF11B):c.64G>A (p.Glu22Lys)

Gene: TNFRSF11B (TNF receptor superfamily member 11b; minus strand). Cytogenetic location: 8q24.12.
Variant type: single nucleotide variant.
Coding change: c.64G>A on transcript NM_002546.4 (MANE Select); coding-DNA position 64, G replaced by A.
Protein change: p.Glu22Lys; replaces glutamic acid 22 with lysine.
Molecular consequence: missense variant.
Genome position (GRCh38, 1-based): chr8:118,933,267, C>T on the plus strand (G>A on the coding strand, the complement: TNFRSF11B is on the minus strand). VCF-style: chr8-118933267-C-T. GRCh37 (hg19) VCF-style: chr8-119945506-C-T.
Other names: short protein forms E22K.
Identifiers: ClinVar variation 2134682 (VCV002134682.4), dbSNP rs1347938177, ClinGen allele CA371921125.